The following is an entry in ClinVar:

ClinVar aggregate classification (germline): Uncertain significance (1 of 4 stars; one submission).

Allele frequency attached by ClinVar (database versions not stated): gnomAD exomes below 0.00001.
gnomAD v4.1: 1 of 1,614,040 alleles (0.000062%); highest among the groups gnomAD compares: Non-Finnish European, 0.000085%; no homozygotes.

Submission:

GeneDx
Classification: Uncertain significance. Last evaluated: 2022-12-05. Review status: criteria provided, single submitter. Criteria: GeneDx Variant Classification Process June 2021. Collection method: clinical testing. Allele origin: germline. Affected: yes.
Comment: Has not been previously published as pathogenic or benign to our knowledge; Not observed at significant frequency in large population cohorts (gnomAD); In silico analysis supports that this missense variant does not alter protein structure/function

NM_003098.3(SNTA1):c.1160A>G (p.Gln387Arg)

Gene: SNTA1 (syntrophin alpha 1; minus strand). Cytogenetic location: 20q11.21.
Variant type: single nucleotide variant.
Coding change: c.1160A>G on transcript NM_003098.3 (MANE Select); coding-DNA position 1160, A replaced by G.
Protein change: p.Gln387Arg; replaces glutamine 387 with arginine.
Molecular consequence: missense variant.
Genome position (GRCh38, 1-based): chr20:33,410,212, T>C on the plus strand (A>G on the coding strand, the complement: SNTA1 is on the minus strand). VCF-style: chr20-33410212-T-C. GRCh37 (hg19) VCF-style: chr20-31998018-T-C.
Other names: short protein forms Q387R.
Identifiers: ClinVar variation 2504433 (VCV002504433.1), dbSNP rs2515492959, ClinGen allele CA408630634.